The following is an entry in ClinVar:

ClinVar aggregate classification (germline): Uncertain significance. Review status: criteria provided, single submitter (1 of 4 stars). 2 submissions from 1 submitter: Uncertain significance (1). 1 of the submissions does not count toward it. Last evaluated 2022-12-17.

Conditions:
Dimethylglycine dehydrogenase deficiency (DMGDHD). Also called: DMGDH DEFICIENCY. Identifiers: Orphanet 243343, MedGen C1853892, MONDO:0011610, OMIM 605850.

Submissions (2):

Dubai Health Genomic Medicine Center, Dubai Health
Classification: Uncertain significance. Last evaluated: 2022-12-17. Review status: criteria provided, single submitter. Criteria: ACMG Guidelines, 2015. Collection method: clinical testing. Allele origin: germline. Affected: yes.

Dubai Health Genomic Medicine Center, Dubai Health
Classification: Uncertain significance for Dimethylglycine dehydrogenase deficiency. Last evaluated: 2020-09-01. Review status: flagged submission. Criteria: ACMG Guidelines, 2015. Collection method: clinical testing. Allele origin: germline. Affected: yes. Not counted in ClinVar's aggregate classification.
Comment: The p.Glu233fs variant in DMGDH has not been previously identified in patients and was absent from large population studies such as the Genome Aggregation Database (gnomAD) and the Greater Middle East (GME) variome database. This frameshift variant is predicted to alter the protein's amino acid sequence beginning at position 233 and lead to a premature termination codon 7 amino acids downstream. This alteration is then predicted to lead to a truncated or absent protein. However there is limited evidence linking the DMGDH gene to disease and therefore the clinical significance of this variant remains uncertain.
ClinVar note: Reason: This record appears to be redundant with a more recent record from the same submitter.
ClinVar note: Notes: SCV001984395 appears to be redundant with SCV002775052.

NM_013391.3(DMGDH):c.696del (p.Glu233fs)

Gene: DMGDH (dimethylglycine dehydrogenase; minus strand). Cytogenetic location: 5q14.1.
Variant type: Deletion.
Coding change: c.696del on transcript NM_013391.3 (MANE Select); coding-DNA position 696, one base deleted (T; older notation c.696delT).
Protein change: p.Glu233fs; shifts the reading frame from glutamic acid 233.
Molecular consequence: frameshift variant.
Genome position (GRCh38, 1-based): chr5:79,051,336, A deleted on the plus strand (T on the coding strand, the reverse complement: DMGDH is on the minus strand); the first of 2 consecutive A bases (chr5:79,051,336-79,051,337); deleting either gives the same sequence. VCF-style (leftmost placement, unchanged base first): chr5-79051335-CA-C. GRCh37 (hg19) VCF-style: chr5-78347158-CA-C.
Other names: c.696delT (NM_013391.3); short protein forms E233fs.
Identifiers: ClinVar variation 1301702 (VCV001301702.3), dbSNP rs2112659102, ClinGen allele CA2573052532.